The following is an entry in ClinVar:

ClinVar aggregate classification (germline): Uncertain significance (1 of 4 stars; one submission).

gnomAD v4.1: 2 of 1,569,104 alleles (0.00013%); highest among the groups gnomAD compares: African/African-American, 0.0014%; no homozygotes.

Submission:

GeneDx
Classification: Uncertain significance. Last evaluated: 2023-05-05. Review status: criteria provided, single submitter. Criteria: GeneDx Variant Classification Process June 2021. Collection method: clinical testing. Allele origin: germline. Affected: yes.
Comment: Not observed at significant frequency in large population cohorts (gnomAD); In silico analysis supports that this missense variant does not alter protein structure/function; Has not been previously published as pathogenic or benign to our knowledge

NM_153240.5(NPHP3):c.110A>G (p.Lys37Arg)

Genes: NPHP3 (nephrocystin 3; minus strand), NPHP3-ACAD11 (NPHP3-ACAD11 readthrough (NMD candidate); minus strand), NPHP3-AS1 (NPHP3 antisense RNA 1; plus strand), LOC129937586 (ATAC-STARR-seq lymphoblastoid silent region 14743; plus strand). Cytogenetic location: 3q22.1.
Variant type: single nucleotide variant.
Coding change: c.110A>G on transcript NM_153240.5 (MANE Select); coding-DNA position 110, A replaced by G.
Protein change: p.Lys37Arg; replaces lysine 37 with arginine.
Molecular consequence: missense variant. On other transcripts: non-coding transcript variant (3).
Genome position (GRCh38, 1-based): chr3:132,722,246, T>C on the plus strand (A>G on the coding strand, the complement: NPHP3 is on the minus strand). VCF-style: chr3-132722246-T-C. GRCh37 (hg19) VCF-style: chr3-132441090-T-C.
Other names: short protein forms K37R.
Identifiers: ClinVar variation 3343276 (VCV003343276.1).
Genomic context (GRCh38, chr3:132,722,246, plus strand): 5'-GGCCCGGCCCCTGCTGCCGCCCCCGCGCCTCGGCGGAACGAGTTGCGCAGCAGGCGGGCC[T>C]TGGGCTTCACCTCCACCGGGATCTCGCAGGCCTCGCCGCCGCCCGCCCCGTACGTGTCCT-3'
Protein context (NP_694972.3, residues 27-47): ACEIPVEVKP[Lys37Arg]ARLLRNSFRR